The following is an entry in ClinVar:

ClinVar aggregate classification (germline): Uncertain significance (1 of 4 stars; one submission).

Conditions:
Cardiovascular phenotype. Identifiers: MedGen CN230736.

gnomAD v4.1: 1 of 1,614,090 alleles (0.000062%); highest among the groups gnomAD compares: Non-Finnish European, 0.000085%; no homozygotes.

Submission:

Ambry Genetics
Classification: Uncertain significance for Cardiovascular phenotype. Last evaluated: 2019-11-19. Review status: criteria provided, single submitter. Criteria: Ambry Variant Classification Scheme 2023. Collection method: clinical testing. Allele origin: germline.
Comment: The p.V3265F variant (also known as c.9793G>T), located in coding exon 38 of the ANK2 gene, results from a G to T substitution at nucleotide position 9793. This exon is expressed solely in brain (Mohler PJ et al. Circulation. 2007;115(4):432-41). The valine at codon 3265 is replaced by phenylalanine, an amino acid with highly similar properties. This amino acid position is well conserved in available vertebrate species. In addition, this alteration is predicted to be deleterious by in silico analysis. Since supporting evidence is limited at this time, the clinical significance of this alteration remains unclear.

NM_001148.6(ANK2):c.9793G>T (p.Val3265Phe)

Gene: ANK2 (ankyrin 2; plus strand). Cytogenetic location: 4q26.
Variant type: single nucleotide variant.
Coding change: c.9793G>T on transcript NM_001148.6 (MANE Select); coding-DNA position 9793, G replaced by T.
Protein change: p.Val3265Phe; replaces valine 3265 with phenylalanine.
Molecular consequence: missense variant. On other transcripts: intron variant (68).
Genome position (GRCh38, 1-based): chr4:113,358,411, G>T. VCF-style: chr4-113358411-G-T. GRCh37 (hg19) VCF-style: chr4-114279567-G-T.
Other names: c.9559G>T, p.Val3187Phe (NM_001386142.1); c.6193G>T, p.Val2065Phe (NM_001386166.1); c.9934G>T, p.Val3312Phe (NM_001386174.1); c.9910G>T, p.Val3304Phe (NM_001386175.1); c.4412-2412G>T (NM_001386186.2, NM_001386148.2); c.4214-2412G>T (NM_001354269.3); c.4292-2412G>T (NM_001386187.2); c.4253-2412G>T (NM_001386147.1); and 35 more; short protein forms V3312F, V3187F, V2065F, V3265F, V3304F.
Identifiers: ClinVar variation 1768213 (VCV001768213.2), dbSNP rs1243433792, ClinGen allele CA357939021.